The following is an entry in ClinVar:

NM_002772.3(TMPRSS15):c.1736T>G (p.Val579Gly)

Gene: TMPRSS15 (transmembrane serine protease 15; minus strand). Cytogenetic location: 21q21.1.
Variant type: single nucleotide variant.
Coding change: c.1736T>G on transcript NM_002772.3 (MANE Select); coding-DNA position 1736, T replaced by G.
Protein change: p.Val579Gly; replaces valine 579 with glycine.
Molecular consequence: missense variant.
Genome position (GRCh38, 1-based): chr21:18,329,213, A>C on the plus strand (T>G on the coding strand, the complement: TMPRSS15 is on the minus strand). VCF-style: chr21-18329213-A-C. GRCh37 (hg19) VCF-style: chr21-19701530-A-C.
Other names: c.1736T>G (NM_002772.2); short protein forms V579G.
Identifiers: ClinVar variation 1974910 (VCV001974910.5), dbSNP rs545194203, ClinGen allele CA9984334.

ClinVar aggregate classification (germline): Uncertain significance. Review status: criteria provided, multiple submitters, no conflicts (2 of 4 stars). 2 submissions from 2 submitters: Uncertain significance (2). Last evaluated 2025-05-28.

Allele frequency attached by ClinVar (database versions not stated): TOPMed 0.00001; ExAC 0.00006; 1000 Genomes Project 30x 0.00047; gnomAD 0.00002; 1000 Genomes Project 0.00060.
gnomAD v4.1: 20 of 1,612,660 alleles (0.0012%); highest among the groups gnomAD compares: East Asian, 0.042%; no homozygotes.

Submissions (2):

Labcorp Genetics (formerly Invitae), Labcorp
Classification: Uncertain significance. Last evaluated: 2025-05-28. Review status: criteria provided, single submitter. Criteria: Invitae Variant Classification Sherloc (09022015). Collection method: clinical testing. Allele origin: germline.
Comment: This sequence change replaces valine, which is neutral and non-polar, with glycine, which is neutral and non-polar, at codon 579 of the TMPRSS15 protein (p.Val579Gly). This variant is present in population databases (rs545194203, gnomAD 0.08%). This variant has not been reported in the literature in individuals affected with TMPRSS15-related conditions. ClinVar contains an entry for this variant (Variation ID: 1974910). An algorithm developed to predict the effect of missense changes on protein structure and function (PolyPhen-2) suggests that this variant is likely to be disruptive. In summary, the available evidence is currently insufficient to determine the role of this variant in disease. Therefore, it has been classified as a Variant of Uncertain Significance.

GeneDx
Classification: Uncertain significance. Last evaluated: 2023-04-03. Review status: criteria provided, single submitter. Criteria: GeneDx Variant Classification Process June 2021. Collection method: clinical testing. Allele origin: germline. Affected: yes.
Comment: In silico analysis supports that this missense variant has a deleterious effect on protein structure/function; Has not been previously published as pathogenic or benign to our knowledge